The following is an entry in ClinVar:

ClinVar aggregate classification (germline): Conflicting classifications of pathogenicity. Review status: criteria provided, conflicting classifications (1 of 4 stars). 3 submissions from 3 submitters: Likely pathogenic (2); Uncertain significance (1). Last evaluated 2026-03-16.

Conditions:
RYR1-related disorder. Also called: RYR1-related disorders; RYR1-related condition. Identifiers: MedGen CN239331.
Central core myopathy (CMYO1A). Also called: CONGENITAL MYOPATHY 1A, AUTOSOMAL DOMINANT, WITH SUSCEPTIBILITY TO MALIGNANT HYPERTHERMIA; Central core disease; Myopathy, central fibrillar. Identifiers: Orphanet 597, MedGen C5830701, MONDO:0007294, OMIM 117000.

Submissions (3):

GeneDx
Classification: Likely pathogenic. Last evaluated: 2026-03-16. Review status: criteria provided, single submitter. Criteria: GeneDx Variant Classification Process June 2021. Collection method: clinical testing. Allele origin: germline.
Comment: Not observed at significant frequency in large population cohorts (gnomAD); In-frame deletion of 1 amino acid(s) with an unclear effect on protein function; In silico analysis supports a deleterious effect on protein structure/function; This variant is associated with the following publications: (PMID: 20681998, 33767344, 35387801)

Mendelics
Classification: Likely pathogenic for Central core myopathy. Last evaluated: 2022-05-04. Review status: criteria provided, single submitter. Criteria: Mendelics Assertion Criteria 2019. Collection method: clinical testing. Allele origin: germline.

Labcorp Genetics (formerly Invitae), Labcorp
Classification: Uncertain significance for RYR1-related disorder. Last evaluated: 2020-10-15. Review status: criteria provided, single submitter. Criteria: Invitae Variant Classification Sherloc (09022015). Collection method: clinical testing. Allele origin: germline.
Comment: This variant, c.14595_14597del, results in the deletion of 1 amino acid(s) of the RYR1 protein (p.Asn4865del), but otherwise preserves the integrity of the reading frame. This variant is not present in population databases (ExAC no frequency). This variant has not been reported in the literature in individuals with RYR1-related conditions. Experimental studies and prediction algorithms are not available or were not evaluated, and the functional significance of this variant is currently unknown. In summary, the available evidence is currently insufficient to determine the role of this variant in disease. Therefore, it has been classified as a Variant of Uncertain Significance.

NM_000540.3(RYR1):c.14592CAA[1] (p.Asn4865del)

Gene: RYR1 (ryanodine receptor 1; plus strand). Cytogenetic location: 19q13.2.
Variant type: Microsatellite.
Coding change: c.14592CAA[1] on transcript NM_000540.3 (MANE Select); one copy of the 3-base unit CAA starting at c.14592; the reference has two copies in a row; one copy, 3 bases deleted; also written c.14595_14597del.
Protein change: p.Asn4865del; deletes asparagine 4865.
Molecular consequence: inframe deletion.
Genome position (GRCh38, 1-based): chr19:38,580,453-38,580,455, CAA deleted; deleting any 3 consecutive bases within chr19:38,580,449-38,580,455 gives the same sequence; the position shown is the placement nearest the transcript's 3' end. VCF-style (leftmost placement, unchanged base first): chr19-38580448-TACA-T. GRCh37 (hg19) VCF-style: chr19-39071088-TACA-T.
Other names: c.14595_14597del (NM_000540.2); c.14577CAA[1], p.Asn4860del (NM_001042723.2); short protein forms N4860del, N4865del.
Identifiers: ClinVar variation 1055202 (VCV001055202.14), dbSNP rs2145896801, ClinGen allele CA2576827526.